The following is an entry in ClinVar:

NM_000321.3(RB1):c.2450_2452del (p.Glu817del)

Gene: RB1 (RB transcriptional corepressor 1; plus strand). Cytogenetic location: 13q14.2.
Variant type: Deletion.
Coding change: c.2450_2452del on transcript NM_000321.3 (MANE Select); coding-DNA positions 2450 to 2452, 3 bases deleted (AAG; older notation c.2450_2452delAAG).
Protein change: p.Glu817del; deletes glutamic acid 817.
Molecular consequence: inframe deletion. On other transcripts: inframe indel (1).
Genome position (GRCh38, 1-based): chr13:48,465,329-48,465,331, AAG deleted; deleting any 3 consecutive bases within chr13:48,465,327-48,465,331 gives the same sequence; the c. name uses the placement nearest the transcript's 3' end. VCF-style (leftmost placement, unchanged base first): chr13-48465326-CAGA-C. GRCh37 (hg19) VCF-style: chr13-49039462-CAGA-C.
Other names: c.2450_2452delAAG, p.Glu817del (NM_001407165.1); short protein forms E817del.
Identifiers: ClinVar variation 2187137 (VCV002187137.5), dbSNP rs2542376077, ClinGen allele CA645372272.
Genomic context (GRCh38, chr13:48,465,326, plus strand): 5'-CCTTACGGATTCCTGGAGGGAACATCTATATTTCACCCCTGAAGAGTCCATATAAAATTT[CAGA>C]AGGTCTGCCAACACCAACAAAAATGACTCCAAGATCAAGGTGTGTGTTTTCTCTTTAGGG-3'

ClinVar aggregate classification (germline): Uncertain significance. Review status: criteria provided, multiple submitters, no conflicts (2 of 4 stars). 2 submissions from 2 submitters: Uncertain significance (2). Last evaluated 2025-05-05.

Conditions:
Retinoblastoma (RB1). Also called: RETINOBLASTOMA, SOMATIC. Identifiers: Orphanet 790, MedGen C0035335, MeSH D012175, MONDO:0008380, OMIM 180200, HP:0009919. Disease mechanism: loss of function. Inheritance: Both sporadic and heritable forms are tested..
Hereditary cancer-predisposing syndrome. Also called: Hereditary Cancer Syndrome; Tumor predisposition; Hereditary neoplastic syndrome; Neoplastic Syndromes, Hereditary. Identifiers: Orphanet 140162, MedGen C0027672, MeSH D009386, MONDO:0015356.

Submissions (2):

Ambry Genetics
Classification: Uncertain significance for Hereditary cancer-predisposing syndrome. Last evaluated: 2025-05-05. Review status: criteria provided, single submitter. Criteria: Ambry Variant Classification Scheme 2023. Collection method: clinical testing. Allele origin: germline.
Comment: The c.2450_2452delAAG variant (also known as p.E817del) is located in coding exon 23 of the RB1 gene. This variant results from an in-frame AAG deletion at nucleotide positions 2450 to 2452. This results in the in-frame deletion of a glutamic acid at codon 817. This amino acid position is not well conserved in available vertebrate species. In addition, this alteration is predicted to be neutral by in silico analysis (Choi Y et al. PLoS ONE. 2012; 7(10):e46688). Based on the available evidence, the clinical significance of this variant remains unclear.

Labcorp Genetics (formerly Invitae), Labcorp
Classification: Uncertain significance for Retinoblastoma. Last evaluated: 2022-06-09. Review status: criteria provided, single submitter. Criteria: Invitae Variant Classification Sherloc (09022015). Collection method: clinical testing. Allele origin: germline.
Comment: This variant is not present in population databases (gnomAD no frequency). In summary, the available evidence is currently insufficient to determine the role of this variant in disease. Therefore, it has been classified as a Variant of Uncertain Significance. Experimental studies and prediction algorithms are not available or were not evaluated, and the functional significance of this variant is currently unknown. This variant has not been reported in the literature in individuals affected with RB1-related conditions. This variant, c.2450_2452del, results in the deletion of 1 amino acid(s) of the RB1 protein (p.Glu817del), but otherwise preserves the integrity of the reading frame.